The following is an entry in ClinVar:

NM_014225.6(PPP2R1A):c.78+121G>A

Gene: PPP2R1A (protein phosphatase 2 scaffold subunit Aalpha; plus strand). Cytogenetic location: 19q13.41.
Variant type: single nucleotide variant.
Coding change: c.78+121G>A on transcript NM_014225.6 (MANE Select); 121 bases into the intron after coding-DNA position 78, G replaced by A.
Molecular consequence: intron variant.
Genome position (GRCh38, 1-based): chr19:52,190,295, G>A. VCF-style: chr19-52190295-G-A. GRCh37 (hg19) VCF-style: chr19-52693548-G-A.
Identifiers: ClinVar variation 3770960 (VCV003770960.13).

ClinVar aggregate classification (germline): Likely benign (1 of 4 stars; one submission).

gnomAD v4.1: 62 of 1,172,998 alleles (0.0053%); highest among the groups gnomAD compares: Middle Eastern, 0.047%; no homozygotes.

Submission:

CeGaT Center for Human Genetics Tuebingen
Classification: Likely benign. Last evaluated: 2025-01-01. Review status: criteria provided, single submitter. Criteria: CeGaT Center For Human Genetics Tuebingen Variant Classification Criteria Version 2. Collection method: clinical testing. Allele origin: germline. Affected: yes. Observed: 1 variant allele.
Comment: PPP2R1A: BS2